The following is an entry in ClinVar:

ClinVar aggregate classification (germline): Uncertain significance (1 of 4 stars; one submission).

Allele frequency attached by ClinVar (database versions not stated): gnomAD exomes below 0.00001.
gnomAD v4.1: 1 of 1,610,184 alleles (0.000062%); highest among the groups gnomAD compares: East Asian, 0.0022%; no homozygotes.

Submission:

Labcorp Genetics (formerly Invitae), Labcorp
Classification: Uncertain significance. Last evaluated: 2022-05-24. Review status: criteria provided, single submitter. Criteria: Invitae Variant Classification Sherloc (09022015). Collection method: clinical testing. Allele origin: germline.
Comment: In summary, the available evidence is currently insufficient to determine the role of this variant in disease. Therefore, it has been classified as a Variant of Uncertain Significance. Advanced modeling of protein sequence and biophysical properties (such as structural, functional, and spatial information, amino acid conservation, physicochemical variation, residue mobility, and thermodynamic stability) performed at Invitae indicates that this missense variant is not expected to disrupt CABP4 protein function. This variant has not been reported in the literature in individuals affected with CABP4-related conditions. This variant is not present in population databases (gnomAD no frequency). This sequence change replaces lysine, which is basic and polar, with arginine, which is basic and polar, at codon 20 of the CABP4 protein (p.Lys20Arg).

NM_145200.5(CABP4):c.59A>G (p.Lys20Arg)

Gene: CABP4 (calcium binding protein 4; plus strand). Cytogenetic location: 11q13.2.
Variant type: single nucleotide variant.
Coding change: c.59A>G on transcript NM_145200.5 (MANE Select); coding-DNA position 59, A replaced by G.
Protein change: p.Lys20Arg; replaces lysine 20 with arginine.
Molecular consequence: missense variant. On other transcripts: 5 prime UTR variant (2), non-coding transcript variant (1), intron variant (1).
Genome position (GRCh38, 1-based): chr11:67,455,482, A>G. VCF-style: chr11-67455482-A-G. GRCh37 (hg19) VCF-style: chr11-67222953-A-G.
Other names: c.-325A>G (NM_001300895.3); c.-339A>G (NM_001379183.1); c.-112-227A>G (NM_001300896.3); short protein forms K20R.
Identifiers: ClinVar variation 1998207 (VCV001998207.4), dbSNP rs1864732777, ClinGen allele CA381526617.
Genomic context (GRCh38, chr11:67,455,482, plus strand): 5'-CCATGACCACAGAGCAGGCAAGGGGGCAGCAGGGCCCAAATCTGGCCATTGGCCGTCAGA[A>G]GCCCCCTGCGGGGGTTGTGACTCCCAAGAGTGATGCAGAGGAGCCCCCGTTGACCAGGAA-3'
Protein context (NP_660201.1, residues 10-30): QGPNLAIGRQ[Lys20Arg]PPAGVVTPKS